The following is an entry in ClinVar:

NM_004174.4(SLC9A3):c.1411C>T (p.Arg471Trp)

Gene: SLC9A3 (solute carrier family 9 member A3). Cytogenetic location: 5p15.33.
Variant type: single nucleotide variant.
Coding change: c.1411C>T on transcript NM_004174.4 (MANE Select); coding-DNA position 1411, C replaced by T.
Protein change: p.Arg471Trp; replaces arginine 471 with tryptophan.
Molecular consequence: missense variant.
Genome position (GRCh38, 1-based): chr5:482,103, G>A on the plus strand (C>T on the coding strand, the complement: SLC9A3 is on the minus strand). VCF-style: chr5-482103-G-A. GRCh37 (hg19) VCF-style: chr5-482218-G-A.
Other names: c.1384C>T, p.Arg462Trp (NM_001284351.3); short protein forms R471W, R462W.
Identifiers: ClinVar variation 1502879 (VCV001502879.6), dbSNP rs368029489, ClinGen allele CA3175959.

ClinVar aggregate classification (germline): Uncertain significance (1 of 4 stars; one submission).

Allele frequency attached by ClinVar (database versions not stated): gnomAD 0.00001; gnomAD exomes 0.00001; ExAC 0.00002; ESP Exome Variant Server 0.00008.
gnomAD v4.1: 13 of 1,606,862 alleles (0.00081%); highest among the groups gnomAD compares: Non-Finnish European, 0.001%; no homozygotes.

Submission:

Labcorp Genetics (formerly Invitae), Labcorp
Classification: Uncertain significance. Last evaluated: 2023-10-13. Review status: criteria provided, single submitter. Criteria: Invitae Variant Classification Sherloc (09022015). Collection method: clinical testing. Allele origin: germline.
Comment: This sequence change replaces arginine, which is basic and polar, with tryptophan, which is neutral and slightly polar, at codon 471 of the SLC9A3 protein (p.Arg471Trp). The frequency data for this variant in the population databases is considered unreliable, as metrics indicate poor data quality at this position in the gnomAD database. This variant has not been reported in the literature in individuals affected with SLC9A3-related conditions. ClinVar contains an entry for this variant (Variation ID: 1502879). Advanced modeling of protein sequence and biophysical properties (such as structural, functional, and spatial information, amino acid conservation, physicochemical variation, residue mobility, and thermodynamic stability) has been performed at Invitae for this missense variant, however the output from this modeling did not meet the statistical confidence thresholds required to predict the impact of this variant on SLC9A3 protein function. In summary, the available evidence is currently insufficient to determine the role of this variant in disease. Therefore, it has been classified as a Variant of Uncertain Significance.